The following is an entry in ClinVar:

NM_000089.4(COL1A2):c.3199C>T (p.Arg1067Cys)

Gene: COL1A2 (collagen type I alpha 2 chain; plus strand). Cytogenetic location: 7q21.3.
Variant type: single nucleotide variant.
Coding change: c.3199C>T on transcript NM_000089.4 (MANE Select); coding-DNA position 3199, C replaced by T.
Protein change: p.Arg1067Cys; replaces arginine 1067 with cysteine.
Molecular consequence: missense variant.
Genome position (GRCh38, 1-based): chr7:94,427,227, C>T. VCF-style: chr7-94427227-C-T. GRCh37 (hg19) VCF-style: chr7-94056539-C-T.
Other names: short protein forms R1067C.
Identifiers: ClinVar variation 4537633 (VCV004537633.1).

ClinVar aggregate classification (germline): Uncertain significance (1 of 4 stars; one submission).

gnomAD v4.1: 7 of 1,613,860 alleles (0.00043%); highest among the groups gnomAD compares: South Asian, 0.0033%; no homozygotes.

Submission:

GeneDx
Classification: Uncertain significance. Last evaluated: 2025-06-10. Review status: criteria provided, single submitter. Criteria: GeneDx Variant Classification Process June 2021. Collection method: clinical testing. Allele origin: germline. Affected: yes.
Comment: Not observed at significant frequency in large population cohorts (gnomAD); In silico analysis supports that this missense variant has a deleterious effect on protein structure/function; Has not been previously published as pathogenic or benign to our knowledge; Occurs in the triple helical domain at the X position in the canonical Gly-X-Y repeat; although this variant may have an effect on normal protein folding and function, missense substitution at the X position is not a common mechanism of disease (HGMD)